The following is an entry in ClinVar:

NM_001128840.3(CACNA1D):c.2251G>A (p.Ala751Thr)

Gene: CACNA1D (calcium voltage-gated channel subunit alpha1 D; plus strand). Cytogenetic location: 3p21.1.
Variant type: single nucleotide variant.
Coding change: c.2251G>A on transcript NM_001128840.3 (MANE Select); coding-DNA position 2251, G replaced by A.
Protein change: p.Ala751Thr; replaces alanine 751 with threonine.
Molecular consequence: missense variant.
Genome position (GRCh38, 1-based): chr3:53,730,471, G>A. VCF-style: chr3-53730471-G-A. GRCh37 (hg19) VCF-style: chr3-53764498-G-A.
Other names: c.2311G>A, p.Ala771Thr (NM_000720.4); c.2251G>A, p.Ala751Thr (NM_001128839.3); short protein forms A751T, A771T.
Identifiers: ClinVar variation 2499837 (VCV002499837.2), dbSNP rs1253180988, ClinGen allele CA353240439.

ClinVar aggregate classification (germline): Uncertain significance (1 of 4 stars; one submission).

Submission:

GeneDx
Classification: Uncertain significance. Last evaluated: 2024-05-08. Review status: criteria provided, single submitter. Criteria: GeneDx Variant Classification Process June 2021. Collection method: clinical testing. Allele origin: germline.
Comment: Not observed at significant frequency in large population cohorts (gnomAD); In silico analysis supports that this missense variant has a deleterious effect on protein structure/function; De novo variant with confirmed parentage in patients referred for genetic testing at GeneDx; however, the reported clinical features are only partially consistent with the features typically observed in individuals with pathogenic variants in this gene; Has not been previously published as pathogenic or benign to our knowledge